The following is an entry in ClinVar:

ClinVar aggregate classification (germline): Uncertain significance. Review status: criteria provided, multiple submitters, no conflicts (2 of 4 stars). 5 submissions from 5 submitters: Uncertain significance (5). Last evaluated 2026-02-02.

Conditions:
Neuronal ceroid lipofuscinosis. Also called: Neuronal Ceroid Lipofuscinoses. Identifiers: Orphanet 216, Orphanet 79263, MedGen C0027877, MONDO:0016295. Disease mechanism: loss of function.

Allele frequency attached by ClinVar (database versions not stated): ESP Exome Variant Server 0.00015; TOPMed 0.00016; gnomAD 0.00022; gnomAD exomes 0.00023 and 0.00026; ExAC 0.00024.
gnomAD v4.1: 408 of 1,613,306 alleles (0.025%); highest among the groups gnomAD compares: Non-Finnish European, 0.032%; 1 homozygote.

Submissions (5):

Labcorp Genetics (formerly Invitae), Labcorp
Classification: Uncertain significance for Neuronal ceroid lipofuscinosis. Last evaluated: 2026-02-02. Review status: criteria provided, single submitter. Criteria: Invitae Variant Classification Sherloc (09022015). Collection method: clinical testing. Allele origin: germline.
Comment: This sequence change replaces alanine, which is neutral and non-polar, with threonine, which is neutral and polar, at codon 34 of the CLN6 protein (p.Ala34Thr). This variant is present in population databases (rs146198681, gnomAD 0.04%). This missense change has been observed in individual(s) with Kufs disease type B (adult neuronal ceroid lipofuscinosis) (PMID: 21549341). ClinVar contains an entry for this variant (Variation ID: 205152). Invitae Evidence Modeling of protein sequence and biophysical properties (such as structural, functional, and spatial information, amino acid conservation, physicochemical variation, residue mobility, and thermodynamic stability) indicates that this missense variant is not expected to disrupt CLN6 protein function with a negative predictive value of 80%. In summary, the available evidence is currently insufficient to determine the role of this variant in disease. Therefore, it has been classified as a Variant of Uncertain Significance.

GeneDx
Classification: Uncertain significance. Last evaluated: 2024-07-12. Review status: criteria provided, single submitter. Criteria: GeneDx Variant Classification Process June 2021. Collection method: clinical testing. Allele origin: germline. Affected: yes.
Comment: Reported in an individual with Kufs disease type B; however a second variant was not identified in CLN6 and authors suggested A34T may be non-pathogenic (PMID: 21549341); In silico analysis indicates that this missense variant does not alter protein structure/function; This variant is associated with the following publications: (PMID: 21549341)

Women's Health and Genetics/Laboratory Corporation of America, LabCorp
Classification: Uncertain significance. Last evaluated: 2024-05-02. Review status: criteria provided, single submitter. Criteria: LabCorp Variant Classification Summary - May 2015. Collection method: clinical testing. Allele origin: germline.
Comment: Variant summary: CLN6 c.100G>A (p.Ala34Thr) results in a non-conservative amino acid change in the encoded protein sequence. Four of five in-silico tools predict a benign effect of the variant on protein function. The variant allele was found at a frequency of 0.00023 in 251170 control chromosomes (gnomAD). This frequency is not significantly higher than estimated for a pathogenic variant in CLN6 causing Neuronal Ceroid-Lipofuscinosis (Batten Disease) (0.00023 vs 0.0011), allowing no conclusion about variant significance. c.100G>A has been reported in the literature in a heterozygous individual affected with Kufs disease type B (Arsov_2011). This report does not provide unequivocal conclusions about association of the variant with Neuronal Ceroid-Lipofuscinosis (Batten Disease). To our knowledge, no experimental evidence demonstrating an impact on protein function has been reported. The following publication has been ascertained in the context of this evaluation (PMID: 21549341). ClinVar contains an entry for this variant (Variation ID: 205152). Based on the evidence outlined above, the variant was classified as uncertain significance.

Eurofins Ntd Llc (ga)
Classification: Uncertain significance. Last evaluated: 2017-08-25. Review status: criteria provided, single submitter. Criteria: EGL Classification Definitions 2015. Collection method: clinical testing. Allele origin: germline. Observed: 2 variant alleles, 2 heterozygotes.

Illumina Laboratory Services, Illumina
Classification: Uncertain significance for Neuronal ceroid lipofuscinosis. Last evaluated: 2017-04-27. Review status: criteria provided, single submitter. Criteria: ICSL Variant Classification Criteria 13 December 2019. Collection method: clinical testing. Allele origin: germline.
Comment: This variant was observed as part of a predisposition screen in an ostensibly healthy population. A literature search was performed for the gene, cDNA change, and amino acid change (where applicable). Publications were found based on this search. However, the evidence from the literature, in combination with allele frequency data from public databases where available, was not sufficient to rule this variant in or out of causing disease. Therefore, this variant is classified as a variant of unknown significance.

Literature cited by the submitters: PubMed 21549341 (cited by 3 submitters).

NM_017882.3(CLN6):c.100G>A (p.Ala34Thr)

Gene: CLN6 (CLN6 transmembrane ER protein; minus strand). Cytogenetic location: 15q23.
Variant type: single nucleotide variant.
Coding change: c.100G>A on transcript NM_017882.3 (MANE Select); coding-DNA position 100, G replaced by A.
Protein change: p.Ala34Thr; replaces alanine 34 with threonine.
Molecular consequence: missense variant.
Genome position (GRCh38, 1-based): chr15:68,218,634, C>T on the plus strand (G>A on the coding strand, the complement: CLN6 is on the minus strand). VCF-style: chr15-68218634-C-T. GRCh37 (hg19) VCF-style: chr15-68510972-C-T.
Other names: p.A34T:GCT>ACT; short protein forms A34T.
Identifiers: ClinVar variation 205152 (VCV000205152.17), dbSNP rs146198681, ClinGen allele CA313939.
Genomic context (GRCh38, chr15:68,218,634, plus strand): 5'-GCAGTGTGAAGTAGAACCAGAGGTCGAGGTGGAAGGGAGCCGTGCGGGCAGCCTCATCAG[C>T]GCTCACAGAGCCATGCCTGGGAAGGAACCAGACGAGAGAAGTCAGCTCTTCTCTCCTCCT-3'
Protein context (NP_060352.1, residues 24-44): FLQARHGSVS[Ala34Thr]DEAARTAPFH